The following is an entry in ClinVar:

ClinVar aggregate classification (germline): Uncertain significance. Review status: criteria provided, multiple submitters, no conflicts (2 of 4 stars). 2 submissions from 2 submitters: Uncertain significance (2). Last evaluated 2025-06-19.

Conditions:
Inborn genetic diseases. Identifiers: MedGen C0950123, MeSH D030342.

Allele frequency attached by ClinVar (database versions not stated): gnomAD exomes 0.00002.
gnomAD v4.1: 24 of 1,613,916 alleles (0.0015%); highest among the groups gnomAD compares: South Asian, 0.026%; 2 homozygotes.

Submissions (2):

Labcorp Genetics (formerly Invitae), Labcorp
Classification: Uncertain significance. Last evaluated: 2025-06-19. Review status: criteria provided, single submitter. Criteria: Invitae Variant Classification Sherloc (09022015). Collection method: clinical testing. Allele origin: germline.
Comment: This sequence change replaces alanine, which is neutral and non-polar, with valine, which is neutral and non-polar, at codon 1827 of the LRP2 protein (p.Ala1827Val). This variant is present in population databases (rs771605746, gnomAD 0.02%). This variant has not been reported in the literature in individuals affected with LRP2-related conditions. ClinVar contains an entry for this variant (Variation ID: 1430594). Invitae Evidence Modeling of protein sequence and biophysical properties (such as structural, functional, and spatial information, amino acid conservation, physicochemical variation, residue mobility, and thermodynamic stability) indicates that this missense variant is not expected to disrupt LRP2 protein function with a negative predictive value of 80%. In summary, the available evidence is currently insufficient to determine the role of this variant in disease. Therefore, it has been classified as a Variant of Uncertain Significance.

Ambry Genetics
Classification: Uncertain significance for Inborn genetic diseases. Last evaluated: 2024-09-05. Review status: criteria provided, single submitter. Criteria: Ambry Variant Classification Scheme 2023. Collection method: clinical testing. Allele origin: germline.

NM_004525.3(LRP2):c.5480C>T (p.Ala1827Val)

Gene: LRP2 (LDL receptor related protein 2; minus strand). Cytogenetic location: 2q31.1.
Variant type: single nucleotide variant.
Coding change: c.5480C>T on transcript NM_004525.3 (MANE Select); coding-DNA position 5480, C replaced by T.
Protein change: p.Ala1827Val; replaces alanine 1827 with valine.
Molecular consequence: missense variant.
Genome position (GRCh38, 1-based): chr2:169,225,368, G>A on the plus strand (C>T on the coding strand, the complement: LRP2 is on the minus strand). VCF-style: chr2-169225368-G-A. GRCh37 (hg19) VCF-style: chr2-170081878-G-A.
Other names: c.5480C>T (NM_004525.2); short protein forms A1827V.
Identifiers: ClinVar variation 1430594 (VCV001430594.7), dbSNP rs771605746, ClinGen allele CA1954523.